The following is an entry in ClinVar:

NM_001999.4(FBN2):c.3452T>C (p.Met1151Thr)

Gene: FBN2 (fibrillin 2; minus strand). Cytogenetic location: 5q23.3.
Variant type: single nucleotide variant.
Coding change: c.3452T>C on transcript NM_001999.4 (MANE Select); coding-DNA position 3452, T replaced by C.
Protein change: p.Met1151Thr; replaces methionine 1151 with threonine.
Molecular consequence: missense variant.
Genome position (GRCh38, 1-based): chr5:128,338,953, A>G on the plus strand (T>C on the coding strand, the complement: FBN2 is on the minus strand). VCF-style: chr5-128338953-A-G. GRCh37 (hg19) VCF-style: chr5-127674645-A-G.
Other names: short protein forms M1151T.
Identifiers: ClinVar variation 2057496 (VCV002057496.4), dbSNP rs2479811673, ClinGen allele CA360759831.

ClinVar aggregate classification (germline): Uncertain significance (1 of 4 stars; one submission).

Conditions:
Congenital contractural arachnodactyly (CCA). Also called: Arthrogryposis, distal, type 9; Beals-Hecht syndrome; BEALS SYNDROME. Identifiers: Orphanet 115, MedGen C0220668, MONDO:0007363, OMIM 121050.

Allele frequency attached by ClinVar (database versions not stated): gnomAD exomes below 0.00001.

Submission:

Labcorp Genetics (formerly Invitae), Labcorp
Classification: Uncertain significance for Congenital contractural arachnodactyly. Last evaluated: 2025-09-15. Review status: criteria provided, single submitter. Criteria: Invitae Variant Classification Sherloc (09022015). Collection method: clinical testing. Allele origin: germline.
Comment: This sequence change replaces methionine, which is neutral and non-polar, with threonine, which is neutral and polar, at codon 1151 of the FBN2 protein (p.Met1151Thr). This variant is not present in population databases (gnomAD no frequency). This variant has not been reported in the literature in individuals affected with FBN2-related conditions. ClinVar contains an entry for this variant (Variation ID: 2057496). Invitae Evidence Modeling of protein sequence and biophysical properties (such as structural, functional, and spatial information, amino acid conservation, physicochemical variation, residue mobility, and thermodynamic stability) has been performed for this missense variant. However, the output from this modeling did not meet the statistical confidence thresholds required to predict the impact of this variant on FBN2 protein function. In summary, the available evidence is currently insufficient to determine the role of this variant in disease. Therefore, it has been classified as a Variant of Uncertain Significance.